The following is an entry in ClinVar:

ClinVar aggregate classification (germline): Uncertain significance (1 of 4 stars; one submission).

Conditions:
Regional enteritis. Also called: Enteritis, Granulomatous. Identifiers: MedGen C0678202, MeSH D003424.
Blau syndrome (BLAUS). Also called: ARTHROCUTANEOUVEAL GRANULOMATOSIS; GRANULOMATOSIS, FAMILIAL JUVENILE SYSTEMIC; GRANULOMATOSIS, FAMILIAL, BLAU TYPE; GRANULOMATOUS INFLAMMATORY ARTHRITIS, DERMATITIS, AND UVEITIS, FAMILIAL; JABS SYNDROME. Identifiers: Orphanet 90340, MedGen C5201146, MONDO:0008523, OMIM 186580.

gnomAD v4.1: 1 of 1,613,932 alleles (0.000062%); highest among the groups gnomAD compares: African/African-American, 0.0013%; no homozygotes.

Submission:

Labcorp Genetics (formerly Invitae), Labcorp
Classification: Uncertain significance for Regional enteritis; Blau syndrome. Last evaluated: 2025-11-04. Review status: criteria provided, single submitter. Criteria: Invitae Variant Classification Sherloc (09022015). Collection method: clinical testing. Allele origin: germline.
Comment: This sequence change replaces phenylalanine, which is neutral and non-polar, with leucine, which is neutral and non-polar, at codon 388 of the NOD2 protein (p.Phe388Leu). This variant is present in population databases (no rsID available, gnomAD 0.01%). This variant has not been reported in the literature in individuals affected with NOD2-related conditions. Invitae Evidence Modeling of protein sequence and biophysical properties (such as structural, functional, and spatial information, amino acid conservation, physicochemical variation, residue mobility, and thermodynamic stability) has been performed for this missense variant. However, the output from this modeling did not meet the statistical confidence thresholds required to predict the impact of this variant on NOD2 protein function. In summary, the available evidence is currently insufficient to determine the role of this variant in disease. Therefore, it has been classified as a Variant of Uncertain Significance.

NM_001370466.1(NOD2):c.1081T>C (p.Phe361Leu)

Gene: NOD2 (nucleotide binding oligomerization domain containing 2; plus strand). Cytogenetic location: 16q12.1.
Variant type: single nucleotide variant.
Coding change: c.1081T>C on transcript NM_001370466.1 (MANE Select); coding-DNA position 1081, T replaced by C.
Protein change: p.Phe361Leu; replaces phenylalanine 361 with leucine.
Molecular consequence: missense variant. On other transcripts: non-coding transcript variant (1).
Genome position (GRCh38, 1-based): chr16:50,711,073, T>C. VCF-style: chr16-50711073-T-C. GRCh37 (hg19) VCF-style: chr16-50744984-T-C.
Other names: c.1081T>C, p.Phe361Leu (NM_001293557.2); c.1162T>C, p.Phe388Leu (NM_022162.3); short protein forms F361L, F388L.
Identifiers: ClinVar variation 4787503 (VCV004787503.1).